The following is an entry in ClinVar:

NM_181458.4(PAX3):c.804del (p.Ser268fs)

Gene: PAX3 (paired box 3; minus strand). Cytogenetic location: 2q36.1.
Variant type: Deletion.
Coding change: c.804del on transcript NM_181458.4 (MANE Select); coding-DNA position 804, one base deleted (C; older notation c.804delC).
Protein change: p.Ser268fs; shifts the reading frame from serine 268.
Molecular consequence: frameshift variant.
Genome position (GRCh38, 1-based): chr2:222,221,376, G deleted on the plus strand (C on the coding strand, the reverse complement: PAX3 is on the minus strand). VCF-style (leftmost placement, unchanged base first): chr2-222221375-TG-T. GRCh37 (hg19) VCF-style: chr2-223086094-TG-T.
Other names: c.801del, p.Ser267fs (NM_001127366.3); c.804del, p.Ser268fs (NM_181457.4, NM_181459.4, NM_181460.4 and 1 more transcripts); short protein forms S267fs, S268fs.
Identifiers: ClinVar variation 2756989 (VCV002756989.3), dbSNP rs2469252725, ClinGen allele CA2697550472.

ClinVar aggregate classification (germline): Pathogenic (1 of 4 stars; one submission).

Submission:

Labcorp Genetics (formerly Invitae), Labcorp
Classification: Pathogenic. Last evaluated: 2023-08-31. Review status: criteria provided, single submitter. Criteria: Invitae Variant Classification Sherloc (09022015). Collection method: clinical testing. Allele origin: germline.
Comment: This variant has not been reported in the literature in individuals affected with PAX3-related conditions. This variant is not present in population databases (gnomAD no frequency). This sequence change creates a premature translational stop signal (p.Ser268Argfs*16) in the PAX3 gene. It is expected to result in an absent or disrupted protein product. Loss-of-function variants in PAX3 are known to be pathogenic (PMID: 20127975, 23512835). For these reasons, this variant has been classified as Pathogenic.

Literature cited by the submitters: PubMed 20127975; PubMed 23512835.